The following is an entry in ClinVar:

NM_024408.4(NOTCH2):c.5255C>T (p.Thr1752Ile)

Gene: NOTCH2 (notch receptor 2; minus strand). Cytogenetic location: 1p12.
Variant type: single nucleotide variant.
Coding change: c.5255C>T on transcript NM_024408.4 (MANE Select); coding-DNA position 5255, C replaced by T.
Protein change: p.Thr1752Ile; replaces threonine 1752 with isoleucine.
Molecular consequence: missense variant.
Genome position (GRCh38, 1-based): chr1:119,921,768, G>A on the plus strand (C>T on the coding strand, the complement: NOTCH2 is on the minus strand). VCF-style: chr1-119921768-G-A. GRCh37 (hg19) VCF-style: chr1-120464391-G-A.
Other names: short protein forms T1752I.
Identifiers: ClinVar variation 3032244 (VCV003032244.5), dbSNP rs745747051, ClinGen allele CA1039683.

ClinVar aggregate classification (germline): Uncertain significance. Review status: criteria provided, multiple submitters, no conflicts (2 of 4 stars). 3 submissions from 3 submitters: Uncertain significance (2). 1 of the submissions does not count toward it. Last evaluated 2024-10-03.

Conditions:
NOTCH2-related disorder. Also called: NOTCH2-related condition.
Alagille syndrome due to a NOTCH2 point mutation. Also called: Alagille syndrome 2. Identifiers: Orphanet 261629, Orphanet 52, MedGen C1857761, MONDO:0012439, OMIM 610205.
Hajdu-Cheney syndrome (HJCYS). Also called: SERPENTINE FIBULA-POLYCYSTIC KIDNEY SYNDROME; Acroosteolysis dominant type; ACROOSTEOLYSIS WITH OSTEOPOROSIS AND CHANGES IN SKULL AND MANDIBLE. Identifiers: Orphanet 955, MedGen C0917715, MONDO:0007057, OMIM 102500.

Allele frequency attached by ClinVar (database versions not stated): gnomAD exomes below 0.00001; ExAC 0.00002.
gnomAD v4.1: 7 of 1,614,108 alleles (0.00043%); highest among the groups gnomAD compares: Non-Finnish European, 0.00059%; no homozygotes.

Submissions (3):

Labcorp Genetics (formerly Invitae), Labcorp
Classification: Uncertain significance for Hajdu-Cheney syndrome. Last evaluated: 2024-10-03. Review status: criteria provided, single submitter. Criteria: Invitae Variant Classification Sherloc (09022015). Collection method: clinical testing. Allele origin: germline.
Comment: This sequence change replaces threonine, which is neutral and polar, with isoleucine, which is neutral and non-polar, at codon 1752 of the NOTCH2 protein (p.Thr1752Ile). This variant is present in population databases (rs745747051, gnomAD 0.002%). This variant has not been reported in the literature in individuals affected with NOTCH2-related conditions. Invitae Evidence Modeling of protein sequence and biophysical properties (such as structural, functional, and spatial information, amino acid conservation, physicochemical variation, residue mobility, and thermodynamic stability) indicates that this missense variant is not expected to disrupt NOTCH2 protein function with a negative predictive value of 80%. In summary, the available evidence is currently insufficient to determine the role of this variant in disease. Therefore, it has been classified as a Variant of Uncertain Significance.

Fulgent Genetics
Classification: Uncertain significance for Hajdu-Cheney syndrome; Alagille syndrome due to a NOTCH2 point mutation. Last evaluated: 2024-04-08. Review status: criteria provided, single submitter. Criteria: ACMG Guidelines, 2015. Collection method: clinical testing. Allele origin: germline.

PreventionGenetics, part of Exact Sciences
Classification: Uncertain significance for NOTCH2-related condition. Last evaluated: 2024-02-20. Review status: no assertion criteria provided. Collection method: clinical testing. Allele origin: germline. Not counted in ClinVar's aggregate classification.
Comment: The NOTCH2 c.5255C>T variant is predicted to result in the amino acid substitution p.Thr1752Ile. To our knowledge, this variant has not been reported in the literature. This variant is reported in 0.0018% of alleles in individuals of European (Non-Finnish) descent in gnomAD. At this time, the clinical significance of this variant is uncertain due to the absence of conclusive functional and genetic evidence.